The following is an entry in ClinVar:

ClinVar aggregate classification (germline): Uncertain significance (1 of 4 stars; one submission).

Allele frequency attached by ClinVar (database versions not stated): gnomAD 0.00001; ExAC 0.00002.
gnomAD v4.1: 11 of 1,613,312 alleles (0.00068%); highest among the groups gnomAD compares: Middle Eastern, 0.018%; no homozygotes.

Submission:

CeGaT Center for Human Genetics Tuebingen
Classification: Uncertain significance. Last evaluated: 2024-03-01. Review status: criteria provided, single submitter. Criteria: CeGaT Center For Human Genetics Tuebingen Variant Classification Criteria Version 2. Collection method: clinical testing. Allele origin: germline. Affected: yes. Observed: 2 variant alleles.
Comment: SLC38A8: PM2, PM3:Supporting

NM_001080442.3(SLC38A8):c.230G>A (p.Gly77Asp)

Gene: SLC38A8 (solute carrier family 38 member 8; minus strand). Cytogenetic location: 16q23.3.
Variant type: single nucleotide variant.
Coding change: c.230G>A on transcript NM_001080442.3 (MANE Select); coding-DNA position 230, G replaced by A.
Protein change: p.Gly77Asp; replaces glycine 77 with aspartic acid.
Molecular consequence: missense variant.
Genome position (GRCh38, 1-based): chr16:84,036,860, C>T on the plus strand (G>A on the coding strand, the complement: SLC38A8 is on the minus strand). VCF-style: chr16-84036860-C-T. GRCh37 (hg19) VCF-style: chr16-84070465-C-T.
Other names: short protein forms G77D.
Identifiers: ClinVar variation 3234609 (VCV003234609.20), dbSNP rs778761900, ClinGen allele CA8200426.